The following is an entry in ClinVar:

ClinVar aggregate classification (germline): Conflicting classifications of pathogenicity. Review status: criteria provided, conflicting classifications (1 of 4 stars). 2 submissions from 2 submitters: Uncertain significance (1); Likely benign (1). Last evaluated 2026-08-04.

Conditions:
Inborn genetic diseases. Identifiers: MedGen C0950123, MeSH D030342.

gnomAD v4.1: 39 of 1,614,032 alleles (0.0024%); highest among the groups gnomAD compares: South Asian, 0.0088%; no homozygotes.

Submissions (2):

Ambry Genetics
Classification: Likely benign for Inborn genetic diseases. Last evaluated: 2026-08-04. Review status: criteria provided, single submitter. Criteria: Ambry Variant Classification Scheme 2023. Collection method: clinical testing. Allele origin: germline.

GeneDx
Classification: Uncertain significance. Last evaluated: 2023-11-17. Review status: criteria provided, single submitter. Criteria: GeneDx Variant Classification Process June 2021. Collection method: clinical testing. Allele origin: germline. Affected: yes.
Comment: Not observed at significant frequency in large population cohorts (gnomAD); In silico analysis supports that this missense variant does not alter protein structure/function; Has not been previously published as pathogenic or benign to our knowledge

NM_138694.4(PKHD1):c.4593T>A (p.Phe1531Leu)

Genes: PKHD1 (PKHD1 ciliary IPT domain containing fibrocystin/polyductin; minus strand), LOC126859690 (MED14-independent group 3 enhancer GRCh37_chr6:51888848-51890047; plus strand). Cytogenetic location: 6p12.2.
Variant type: single nucleotide variant.
Coding change: c.4593T>A on transcript NM_138694.4 (MANE Select); coding-DNA position 4593, T replaced by A.
Protein change: p.Phe1531Leu; replaces phenylalanine 1531 with leucine.
Molecular consequence: missense variant.
Genome position (GRCh38, 1-based): chr6:52,025,217, A>T on the plus strand (T>A on the coding strand, the complement: PKHD1 is on the minus strand). VCF-style: chr6-52025217-A-T. GRCh37 (hg19) VCF-style: chr6-51890015-A-T.
Other names: c.4593T>A, p.Phe1531Leu (NM_170724.3); short protein forms F1531L.
Identifiers: ClinVar variation 3364611 (VCV003364611.2).
Genomic context (GRCh38, chr6:52,025,217, plus strand): 5'-TGACAGGTAGTGGGGTCCTGGGGCCAAGTCTCTTGTCTGGCACACAACGTGGCTTGCATT[A>T]AAAAAAGTTACATTGCAAGGAAGTTGATCATCCACAAATACCATCGGCTCATCAGCTGTG-3'
Protein context (NP_619639.3, residues 1521-1541): DDQLPCNVTF[Phe1531Leu]NASHVVCQTR